The following is an entry in ClinVar:

NM_203387.3(RNH1):c.328C>T (p.Arg110Cys)

Gene: RNH1 (ribonuclease/angiogenin inhibitor 1; minus strand). Cytogenetic location: 11p15.5.
Variant type: single nucleotide variant.
Coding change: c.328C>T on transcript NM_203387.3 (MANE Select); coding-DNA position 328, C replaced by T.
Protein change: p.Arg110Cys; replaces arginine 110 with cysteine.
Molecular consequence: missense variant.
Genome position (GRCh38, 1-based): chr11:499,944, G>A on the plus strand (C>T on the coding strand, the complement: RNH1 is on the minus strand). VCF-style: chr11-499944-G-A. GRCh37 (hg19) VCF-style: chr11-499944-G-A.
Other names: c.328C>T, p.Arg110Cys (NM_203389.3, NM_002939.4, NM_203383.2 and 4 more transcripts); short protein forms R110C.
Identifiers: ClinVar variation 5038533 (VCV005038533.1).

ClinVar aggregate classification (germline): Likely benign (1 of 4 stars; one submission).

Submission:

CeGaT Center for Human Genetics Tuebingen
Classification: Likely benign. Last evaluated: 2026-07-01. Review status: criteria provided, single submitter. Criteria: CeGaT Center For Human Genetics Tuebingen Variant Classification Criteria Version 2. Collection method: clinical testing. Allele origin: germline. Affected: yes. Observed: 1 variant allele.
Comment: RNH1: BP4, BS2